The following is an entry in ClinVar:

NM_080680.3(COL11A2):c.1698C>T (p.Leu566=)

Gene: COL11A2 (collagen type XI alpha 2 chain; minus strand). Cytogenetic location: 6p21.32.
Variant type: single nucleotide variant.
Coding change: c.1698C>T on transcript NM_080680.3 (MANE Select); coding-DNA position 1698, C replaced by T.
Protein change: p.Leu566=; no amino-acid change (leucine 566 retained).
Molecular consequence: synonymous variant.
Genome position (GRCh38, 1-based): chr6:33,178,700, G>A on the plus strand (C>T on the coding strand, the complement: COL11A2 is on the minus strand). VCF-style: chr6-33178700-G-A. GRCh37 (hg19) VCF-style: chr6-33146477-G-A.
Other names: c.1377C>T, p.Leu459= (NM_080679.3); c.1440C>T, p.Leu480= (NM_080681.3).
Identifiers: ClinVar variation 809916 (VCV000809916.55), dbSNP rs139350991, ClinGen allele CA3751248.

ClinVar aggregate classification (germline): Conflicting classifications of pathogenicity. Review status: criteria provided, conflicting classifications (1 of 4 stars). 8 submissions from 6 submitters: Uncertain significance (2); Benign (1); Likely benign (4). 1 of the submissions does not count toward it. Last evaluated 2025-12-02.

Conditions:
Fibrochondrogenesis 2 (FBCG2). Identifiers: Orphanet 2021, MedGen C3281128, MONDO:0013795, OMIM 614524.
Otospondylomegaepiphyseal dysplasia, autosomal recessive (OSMEDB). Also called: Insley-Astley syndrome; CHONDRODYSTROPHY WITH SENSORINEURAL DEAFNESS. Identifiers: Orphanet 1427, MedGen CN034493, MONDO:0044206, OMIM 215150.
Otospondylomegaepiphyseal dysplasia, autosomal dominant (OSMEDA). Also called: COL11A2-Related Stickler Syndrome; Pierre Robin syndrome with fetal chondrodysplasia; Stickler syndrome, type 3. Identifiers: Orphanet 166100, Orphanet 3450, MedGen C1848488, MONDO:0008490, OMIM 184840.
COL11A2-related disorder. Also called: COL11A2-related disorders; COL11A2-related condition.

Allele frequency attached by ClinVar (database versions not stated): TOPMed 0.00007; gnomAD 0.00010 and 0.00012; gnomAD exomes 0.00010 and 0.00014; ExAC 0.00022; ESP Exome Variant Server 0.00024.
gnomAD v4.1: 156 of 1,612,728 alleles (0.0097%); highest among the groups gnomAD compares: Non-Finnish European, 0.0092%; 1 homozygote.

Submissions (8):

Labcorp Genetics (formerly Invitae), Labcorp
Classification: Likely benign. Last evaluated: 2025-12-02. Review status: criteria provided, single submitter. Criteria: Invitae Variant Classification Sherloc (09022015). Collection method: clinical testing. Allele origin: germline.

CeGaT Center for Human Genetics Tuebingen
Classification: Likely benign. Last evaluated: 2024-11-01. Review status: criteria provided, single submitter. Criteria: CeGaT Center For Human Genetics Tuebingen Variant Classification Criteria Version 2. Collection method: clinical testing. Allele origin: germline. Affected: yes. Observed: 3 variant alleles.
Comment: COL11A2: BP4, BP7

Blueprint Genetics
Classification: Likely benign. Last evaluated: 2024-10-30. Review status: criteria provided, single submitter. Criteria: ACMG Guidelines, 2015. Collection method: clinical testing. Allele origin: germline.

GeneDx
Classification: Likely benign. Last evaluated: 2020-02-19. Review status: criteria provided, single submitter. Criteria: GeneDx Variant Classification Process June 2021. Collection method: clinical testing. Allele origin: germline. Affected: yes.

Illumina Laboratory Services, Illumina
Classification: Benign for Otospondylomegaepiphyseal dysplasia, autosomal recessive. Last evaluated: 2018-01-12. Review status: criteria provided, single submitter. Criteria: ICSL Variant Classification Criteria 13 December 2019. Collection method: clinical testing. Allele origin: germline.
Comment: This variant was observed in the ICSL laboratory as part of a predisposition screen in an ostensibly healthy population. It had not been previously curated by ICSL or reported in the Human Gene Mutation Database (HGMD: prior to June 1st, 2018), and was therefore a candidate for classification through an automated scoring system. Utilizing variant allele frequency, disease prevalence and penetrance estimates, and inheritance mode, an automated score was calculated to assess if this variant is too frequent to cause the disease. Based on the score and internal cut-off values, a variant classified as benign is not then subjected to further curation. The score for this variant resulted in a classification of benign for this disease.

Illumina Laboratory Services, Illumina
Classification: Uncertain significance for Fibrochondrogenesis 2. Last evaluated: 2018-01-12. Review status: criteria provided, single submitter. Criteria: ICSL Variant Classification Criteria 13 December 2019. Collection method: clinical testing. Allele origin: germline.

Illumina Laboratory Services, Illumina
Classification: Uncertain significance for Otospondylomegaepiphyseal dysplasia, autosomal dominant. Last evaluated: 2018-01-12. Review status: criteria provided, single submitter. Criteria: ICSL Variant Classification Criteria 13 December 2019. Collection method: clinical testing. Allele origin: germline.

PreventionGenetics, part of Exact Sciences
Classification: Likely benign for COL11A2-related condition. Last evaluated: 2019-07-15. Review status: no assertion criteria provided. Collection method: clinical testing. Allele origin: germline. Not counted in ClinVar's aggregate classification.
Comment: This variant is classified as likely benign based on ACMG/AMP sequence variant interpretation guidelines (Richards et al. 2015 PMID: 25741868, with internal and published modifications).